The following is an entry in ClinVar:

ClinVar aggregate classification (germline): Uncertain significance (1 of 4 stars; one submission).

Conditions:
Fanconi anemia (FA). Also called: Fanconi's anemia. Identifiers: Orphanet 84, MedGen C0015625, MeSH D005199, MONDO:0019391.

gnomAD v4.1: 7 of 1,614,058 alleles (0.00043%); highest among the groups gnomAD compares: African/African-American, 0.0067%; no homozygotes.

Submission:

Labcorp Genetics (formerly Invitae), Labcorp
Classification: Uncertain significance for Fanconi anemia. Last evaluated: 2023-04-07. Review status: criteria provided, single submitter. Criteria: Invitae Variant Classification Sherloc (09022015). Collection method: clinical testing. Allele origin: germline.
Comment: This sequence change replaces serine, which is neutral and polar, with tryptophan, which is neutral and slightly polar, at codon 169 of the SLX4 protein (p.Ser169Trp). This variant is present in population databases (no rsID available, gnomAD 0.003%). This variant has not been reported in the literature in individuals affected with SLX4-related conditions. In summary, the available evidence is currently insufficient to determine the role of this variant in disease. Therefore, it has been classified as a Variant of Uncertain Significance. An algorithm developed to predict the effect of missense changes on protein structure and function (PolyPhen-2) suggests that this variant is likely to be tolerated.

NM_032444.4(SLX4):c.506C>G (p.Ser169Trp)

Gene: SLX4 (SLX4 structure-specific endonuclease subunit; minus strand). Cytogenetic location: 16p13.3.
Variant type: single nucleotide variant.
Coding change: c.506C>G on transcript NM_032444.4 (MANE Select); coding-DNA position 506, C replaced by G.
Protein change: p.Ser169Trp; replaces serine 169 with tryptophan.
Molecular consequence: missense variant.
Genome position (GRCh38, 1-based): chr16:3,608,459, G>C on the plus strand (C>G on the coding strand, the complement: SLX4 is on the minus strand). VCF-style: chr16-3608459-G-C. GRCh37 (hg19) VCF-style: chr16-3658460-G-C.
Other names: short protein forms S169W.
Identifiers: ClinVar variation 2736902 (VCV002736902.3), dbSNP rs776018346, ClinGen allele CA394547094.